The following is an entry in ClinVar:

ClinVar aggregate classification (germline): Conflicting classifications of pathogenicity. Review status: criteria provided, conflicting classifications (1 of 4 stars). 21 submissions from 21 submitters: Uncertain significance (12); Benign (1); Likely benign (6). 2 of the submissions do not count toward it. Last evaluated 2026-03-20.

Conditions:
Hepatocellular carcinoma (HCC). Also called: Primary carcinoma of liver; HEPATOMA; LIVER CELL CARCINOMA. Identifiers: Orphanet 88673, MedGen C2239176, MONDO:0007256, OMIM 114550, HP:0001402.
Familial adenomatous polyposis 1 (FAP1). Also called: FAMILIAL ADENOMATOUS POLYPOSIS 1, ATTENUATED; POLYPOSIS, ADENOMATOUS INTESTINAL. Identifiers: MedGen C2713442, MONDO:0021056, OMIM 175100. Disease mechanism: loss of function.
Colorectal cancer. Also called: Malignant Colorectal Neoplasm; Colorectal cancer, somatic. Identifiers: MedGen C0346629, MONDO:0005575, OMIM 114500.
Gastric cancer. Also called: Stomach cancer; Malignant tumor of stomach. Identifiers: MedGen C0024623, MeSH D013274, MONDO:0001056, OMIM 613659, HP:0012126.
Desmoid disease, hereditary (DESMD). Also called: FIBROMATOSIS, FAMILIAL INFILTRATIVE. Identifiers: Orphanet 873, MedGen C1851124, OMIM 135290. Disease mechanism: loss of function.
Gastric adenocarcinoma and proximal polyposis of the stomach (GAPPS). Also called: POLYPOSIS, GASTRIC; Polyposis, gastric, Dos Santos and de Magalhaes 1980; Gastric Adenocarcinoma and Proximal Polyposis of the Stomach (GAPPS). Identifiers: Orphanet 314022, MedGen C4749917, MONDO:0017790, OMIM 619182.
Diffuse midline glioma, H3 K27-altered. Identifiers: MedGen C5669877, MONDO:1060171.
APC-related disorder. Also called: APC-related condition.
Hereditary cancer-predisposing syndrome. Also called: Tumor predisposition; Hereditary neoplastic syndrome; Neoplastic Syndromes, Hereditary; Hereditary Cancer Syndrome. Identifiers: Orphanet 140162, MedGen C0027672, MeSH D009386, MONDO:0015356.
Familial multiple polyposis syndrome (FAP). Also called: Familial polyposis; Classic familial adenomatous polyposis; Familial adenomatous polyposis; Familial intestinal polyposis; Familial Adenomatous Polyposis (FAP). Identifiers: Orphanet 733, MedGen C0032580, MONDO:0021055. Disease mechanism: loss of function.

Allele frequency attached by ClinVar (database versions not stated): TOPMed 0.00003; gnomAD 0.00004 and 0.00005; gnomAD exomes 0.00007 and 0.00008; ESP Exome Variant Server 0.00008; ExAC 0.00010.
gnomAD v4.1: 103 of 1,612,600 alleles (0.0064%); highest among the groups gnomAD compares: Middle Eastern, 0.016%; no homozygotes.

Submissions (21):

PreventionGenetics, part of Exact Sciences
Classification: Likely benign for APC-related condition. Last evaluated: 2026-03-20. Review status: criteria provided, single submitter. Criteria: ACMG Guidelines, 2015. Collection method: clinical testing. Allele origin: germline.
Comment: This variant is classified as likely benign based on ACMG/AMP sequence variant interpretation guidelines (Richards et al. 2015 PMID: 25741868, with internal and published modifications).

Labcorp Genetics (formerly Invitae), Labcorp
Classification: Likely benign for Familial adenomatous polyposis 1. Last evaluated: 2026-01-31. Review status: criteria provided, single submitter. Criteria: Invitae Variant Classification Sherloc (09022015). Collection method: clinical testing. Allele origin: germline.

Women's Health and Genetics/Laboratory Corporation of America, LabCorp
Classification: Likely benign. Last evaluated: 2025-09-15. Review status: criteria provided, single submitter. Criteria: LabCorp Variant Classification Summary - May 2015. Collection method: clinical testing. Allele origin: germline.
Comment: Variant summary: APC c.5528C>T (p.Pro1843Leu) results in a non-conservative amino acid change in the encoded protein sequence. Algorithms developed to predict the effect of missense changes on protein structure and function are either unavailable or do not agree on the potential impact of this missense change. The variant allele was found at a frequency of 8.4e-05 in 251106 control chromosomes, predominantly at a frequency of 0.00019 within the Non-Finnish European subpopulation in the gnomAD database. The observed variant frequency within Non-Finnish European control individuals in the gnomAD database exceeds the estimated maximal expected allele frequency for disease-causing variants in APC. c.5528C>T has been observed in individuals affected with Familial Adenomatous Polyposis, Colorectal cancer, Lynch syndrome and personal or family history of HBOC, all without strong evidence for causality (e.g. Hadjisavvas_2006, Yurgelun_2015, Lupini_2015, Zidan_2017, Schubert_2019, Tsaousis_2019). These reports do not provide unequivocal conclusions about association of the variant with Familial Adenomatous Polyposis. To our knowledge, no experimental evidence demonstrating an impact on protein function has been reported. The following publications have been ascertained in the context of this evaluation (PMID: 25980754, 31937788, 25637381, 16650078, 30426508, 31159747, 28828701, 26508446). ClinVar contains an entry for this variant (Variation ID: 127306). Based on the evidence outlined above, the variant was classified as likely benign.

GeneDx
Classification: Uncertain significance. Last evaluated: 2025-07-16. Review status: criteria provided, single submitter. Criteria: GeneDx Variant Classification Process June 2021. Collection method: clinical testing. Allele origin: germline. Affected: yes.
Comment: In silico analysis suggests that this missense variant does not alter protein structure/function; Observed in individuals with a personal or family history of a Lynch syndrome-associated cancer, colon polyps, and/or breast and ovarian cancer (PMID: 16650078, 25980754, 28828701); This variant is associated with the following publications: (PMID: 25980754, 16650078, 21859464, 25637381, 31159747, 26508446, 28828701, 18199528)

Color Diagnostics, LLC DBA Color Health
Classification: Uncertain significance for Hereditary cancer-predisposing syndrome. Last evaluated: 2025-04-07. Review status: criteria provided, single submitter. Criteria: ACMG Guidelines, 2015. Collection method: clinical testing. Allele origin: germline.
Comment: This missense variant replaces proline with leucine at codon 1843 of the APC protein. Computational prediction is inconclusive regarding the impact of this variant on protein structure and function. To our knowledge, functional studies have not been reported for this variant. This variant has been reported in an individual affected with breast cancer (PMID: 28828701), adenomatous polyposis and colon cancer (PMID: 16650078), colorectal cancer (PMID: 26508446), and another individual with a monoallelic pathogenic MUTYH variant who is suspected of Lynch syndrome (PMID: 25980754). This variant has also been identified in 21/251006 chromosomes in the general population by the Genome Aggregation Database (gnomAD). The available evidence is insufficient to determine the role of this variant in disease conclusively. Therefore, this variant is classified as a Variant of Uncertain Significance.

Center for Genomic Medicine, Rigshospitalet, Copenhagen University Hospital
Classification: Likely benign. Last evaluated: 2025-03-04. Review status: criteria provided, single submitter. Criteria: ACMG Guidelines, 2015. Collection method: clinical testing. Allele origin: germline.

Myriad Genetics, Inc.
Classification: Likely benign for Familial adenomatous polyposis 1. Last evaluated: 2025-01-29. Review status: criteria provided, single submitter. Criteria: Myriad Autosomal Dominant, Autosomal Recessive and X-Linked Classification Criteria (2023). Collection method: clinical testing. Allele origin: unknown.
Comment: This variant is considered likely benign. This variant has been observed at a population frequency that is significantly greater than expected given the associated disease prevalence and penetrance.

Blueprint Genetics
Classification: Likely benign. Last evaluated: 2024-11-23. Review status: criteria provided, single submitter. Criteria: ACMG Guidelines, 2015. Collection method: clinical testing. Allele origin: germline.

CeGaT Center for Human Genetics Tuebingen
Classification: Uncertain significance. Last evaluated: 2024-11-01. Review status: criteria provided, single submitter. Criteria: CeGaT Center For Human Genetics Tuebingen Variant Classification Criteria Version 2. Collection method: clinical testing. Allele origin: germline. Affected: yes. Observed: 1 variant allele.

Institute for Biomarker Research, Medical Diagnostic Laboratories, L.L.C.
Classification: Uncertain significance for Hereditary cancer-predisposing syndrome. Last evaluated: 2024-01-18. Review status: criteria provided, single submitter. Criteria: ACMG Guidelines, 2015. Collection method: clinical testing. Allele origin: germline.

Fulgent Genetics
Classification: Uncertain significance for Colorectal cancer; Hepatocellular carcinoma; Desmoid disease, hereditary; Familial adenomatous polyposis 1; Gastric cancer; Gastric adenocarcinoma and proximal polyposis of the stomach. Last evaluated: 2023-12-27. Review status: criteria provided, single submitter. Criteria: ACMG Guidelines, 2015. Collection method: clinical testing. Allele origin: germline.

Department of Pathology and Laboratory Medicine, Sinai Health System
Classification: Uncertain significance for Familial adenomatous polyposis 1; Desmoid disease, hereditary. Last evaluated: 2023-05-10. Review status: criteria provided, single submitter. Criteria: ACMG Guidelines, 2015. Collection method: clinical testing. Allele origin: germline. Affected: yes.

Laboratory of Medical Genetics Unit, Bambino Gesù Children's Hospital
Classification: Uncertain significance for Diffuse midline glioma, H3 K27-altered. Last evaluated: 2022-12-09. Review status: criteria provided, single submitter. Criteria: ACMG Guidelines, 2015. Collection method: research. Allele origin: germline. Affected: yes. Observed: 1 heterozygote.

Institute for Clinical Genetics, University Hospital TU Dresden, University Hospital TU Dresden
Classification: Uncertain significance. Last evaluated: 2021-11-03. Review status: criteria provided, single submitter. Criteria: ACMG Guidelines, 2015. Collection method: clinical testing. Allele origin: germline.

Ambry Genetics
Classification: Benign for Hereditary cancer-predisposing syndrome. Last evaluated: 2021-03-31. Review status: criteria provided, single submitter. Criteria: Ambry Variant Classification Scheme 2023. Collection method: clinical testing. Allele origin: germline.

GeneKor MSA
Classification: Uncertain significance for Hereditary cancer-predisposing syndrome. Last evaluated: 2018-08-01. Review status: criteria provided, single submitter. Criteria: ACMG Guidelines, 2015. Collection method: clinical testing. Allele origin: germline. Affected: yes.

Eurofins Ntd Llc (ga)
Classification: Uncertain significance. Last evaluated: 2016-10-24. Review status: criteria provided, single submitter. Criteria: EGL Classification Definitions 2015. Collection method: clinical testing. Allele origin: germline. Observed: 1 variant allele, 1 heterozygote.

Laboratory for Molecular Medicine, Mass General Brigham Personalized Medicine
Classification: Uncertain significance. Last evaluated: 2016-06-23. Review status: criteria provided, single submitter. Criteria: LMM Criteria. Collection method: clinical testing. Allele origin: germline.
Comment: Variant identified in a genome or exome case(s) and assessed due to predicted null impact of the variant or pathogenic assertions in the literature or databases. Disclaimer: This variant has not undergone full assessment. The following are preliminary notes: Only reported in 1 or 2 probands; ClinVar: 4 VUS

Genomic Diagnostic Laboratory, Division of Genomic Diagnostics, Children's Hospital of Philadelphia
Classification: Uncertain significance for Adenomatous polyposis coli. Last evaluated: 2015-02-13. Review status: criteria provided, single submitter. Criteria: DGD Variant Analysis Guidelines. Collection method: clinical testing. Allele origin: unknown.

Counsyl
Classification: Uncertain significance for Familial adenomatous polyposis 1. Last evaluated: 2017-03-21. Review status: no assertion criteria provided. Collection method: clinical testing. Allele origin: unknown. Not counted in ClinVar's aggregate classification.

CSER _CC_NCGL, University of Washington
Classification: Uncertain significance for Adenomatous polyposis coli. Last evaluated: 2014-06-01. Review status: no assertion criteria provided. Collection method: research. Allele origin: germline. Inheritance: Autosomal dominant inheritance. Study: ESP 6500 variant annotation. Not counted in ClinVar's aggregate classification.
Comment: Variants classified for the Actionable exomic incidental findings in 6503 participants: challenges of variant classification manuscript

Literature cited by the submitters: PubMed 25980754 (cited by 5 submitters); PubMed 25637381 (cited by 3 submitters); PubMed 16650078 (cited by 5 submitters); PubMed 28828701 (cited by 3 submitters); PubMed 26508446 (cited by Women's Health and Genetics/Laboratory Corporation of America, LabCorp and Color Diagnostics, LLC DBA Color Health); PubMed 30426508 (cited by Women's Health and Genetics/Laboratory Corporation of America, LabCorp); PubMed 31159747 (cited by Women's Health and Genetics/Laboratory Corporation of America, LabCorp and Ambry Genetics); PubMed 31937788 (cited by Women's Health and Genetics/Laboratory Corporation of America, LabCorp); PubMed 21859464 (cited by Ambry Genetics).

NM_000038.6(APC):c.5528C>T (p.Pro1843Leu)

Gene: APC (APC regulator of Wnt signaling pathway; plus strand). Cytogenetic location: 5q22.2.
Variant type: single nucleotide variant.
Coding change: c.5528C>T on transcript NM_000038.6 (MANE Select); coding-DNA position 5528, C replaced by T.
Protein change: p.Pro1843Leu; replaces proline 1843 with leucine.
Molecular consequence: missense variant.
Genome position (GRCh38, 1-based): chr5:112,841,122, C>T. VCF-style: chr5-112841122-C-T. GRCh37 (hg19) VCF-style: chr5-112176819-C-T.
Other names: p.P1843L:CCT>CTT; c.5528C>T, p.Pro1843Leu (NM_001127510.3, NM_001354895.2); c.5474C>T, p.Pro1825Leu (NM_001127511.3); c.5582C>T, p.Pro1861Leu (NM_001354896.2); c.5558C>T, p.Pro1853Leu (NM_001354897.2); c.5453C>T, p.Pro1818Leu (NM_001354898.2); c.5444C>T, p.Pro1815Leu (NM_001354899.2); c.5405C>T, p.Pro1802Leu (NM_001354900.2); and 6 more; short protein forms P1843L, P1825L, P1683L, P1742L, P1784L, P1853L, P1802L, P1861L.
Identifiers: ClinVar variation 127306 (VCV000127306.69), dbSNP rs368080169, ClinGen allele CA010490.